The following is an entry in ClinVar:

NM_014989.7(RIMS1):c.2657G>A (p.Arg886Lys)

Gene: RIMS1 (regulating synaptic membrane exocytosis 1; plus strand). Cytogenetic location: 6q13.
Variant type: single nucleotide variant.
Coding change: c.2657G>A on transcript NM_014989.7 (MANE Select); coding-DNA position 2657, G replaced by A.
Protein change: p.Arg886Lys; replaces arginine 886 with lysine.
Molecular consequence: missense variant.
Genome position (GRCh38, 1-based): chr6:72,251,327, G>A. VCF-style: chr6-72251327-G-A. GRCh37 (hg19) VCF-style: chr6-72961030-G-A.
Other names: c.1079G>A, p.Arg360Lys (NM_001350419.2, NM_001350420.2, NM_001350422.2 and 37 more transcripts); c.1010G>A, p.Arg337Lys (NM_001350421.2, NM_001350424.2, NM_001350459.2 and 6 more transcripts); c.836G>A, p.Arg279Lys (NM_001350461.2, NM_001350463.2, NM_001350464.2 and 6 more transcripts); c.1034G>A, p.Arg345Lys (NM_001350470.2, NM_001350472.2, NM_001350473.2 and 2 more transcripts); short protein forms R279K, R345K, R360K, R886K, R337K.
Identifiers: ClinVar variation 1501496 (VCV001501496.6), dbSNP rs2073197014, ClinGen allele CA364680399.
Genomic context (GRCh38, chr6:72,251,327, plus strand): 5'-AACTTCAGACACATGATGAGTCTTCACTACCTCTGCCTCAGCCATCACCTTTCATGCCAA[G>A]GCGACATATTCATGGAGAAAGCTCTAGCAAAAAGCTACAAAGTAGGTTAAGGTCCTTTTA-3'
Protein context (NP_055804.2, residues 876-896): PLPQPSPFMP[Arg886Lys]RHIHGESSSK

ClinVar aggregate classification (germline): Uncertain significance (1 of 4 stars; one submission).

Allele frequency attached by ClinVar (database versions not stated): TOPMed below 0.00001.

Submission:

Labcorp Genetics (formerly Invitae), Labcorp
Classification: Uncertain significance. Last evaluated: 2022-11-22. Review status: criteria provided, single submitter. Criteria: Invitae Variant Classification Sherloc (09022015). Collection method: clinical testing. Allele origin: germline.
Comment: This sequence change replaces arginine, which is basic and polar, with lysine, which is basic and polar, at codon 886 of the RIMS1 protein (p.Arg886Lys). This variant has not been reported in the literature in individuals affected with RIMS1-related conditions. ClinVar contains an entry for this variant (Variation ID: 1501496). Algorithms developed to predict the effect of missense changes on protein structure and function are either unavailable or do not agree on the potential impact of this missense change (SIFT: "Deleterious"; PolyPhen-2: "Probably Damaging"; Align-GVGD: "Class C0"). In summary, the available evidence is currently insufficient to determine the role of this variant in disease. Therefore, it has been classified as a Variant of Uncertain Significance. This variant is not present in population databases (gnomAD no frequency).